The following is an entry in ClinVar:

NM_007373.4(SHOC2):c.154G>T (p.Asp52Tyr)

Gene: SHOC2 (SHOC2 leucine rich repeat scaffold protein; plus strand). Cytogenetic location: 10q25.2.
Variant type: single nucleotide variant.
Coding change: c.154G>T on transcript NM_007373.4 (MANE Select); coding-DNA position 154, G replaced by T.
Protein change: p.Asp52Tyr; replaces aspartic acid 52 with tyrosine.
Molecular consequence: missense variant.
Genome position (GRCh38, 1-based): chr10:110,964,512, G>T. VCF-style: chr10-110964512-G-T. GRCh37 (hg19) VCF-style: chr10-112724270-G-T.
Other names: c.154G>T, p.Asp52Tyr (NM_001269039.3, NM_001324336.2, NM_001324337.2); short protein forms D52Y.
Identifiers: ClinVar variation 2715205 (VCV002715205.3), dbSNP rs2493838445, ClinGen allele CA378381861.

ClinVar aggregate classification (germline): Uncertain significance (1 of 4 stars; one submission).

Conditions:
RASopathy. Also called: Noonan spectrum disorder; rasopathies. Identifiers: Orphanet 536391, MedGen C5555857, MONDO:0021060.

Submission:

Labcorp Genetics (formerly Invitae), Labcorp
Classification: Uncertain significance for RASopathy. Last evaluated: 2023-05-24. Review status: criteria provided, single submitter. Criteria: Invitae Variant Classification Sherloc (09022015). Collection method: clinical testing. Allele origin: germline.
Comment: This sequence change replaces aspartic acid, which is acidic and polar, with tyrosine, which is neutral and polar, at codon 52 of the SHOC2 protein (p.Asp52Tyr). This variant is not present in population databases (gnomAD no frequency). This variant has not been reported in the literature in individuals affected with SHOC2-related conditions. Advanced modeling of protein sequence and biophysical properties (such as structural, functional, and spatial information, amino acid conservation, physicochemical variation, residue mobility, and thermodynamic stability) performed at Invitae indicates that this missense variant is not expected to disrupt SHOC2 protein function. In summary, the available evidence is currently insufficient to determine the role of this variant in disease. Therefore, it has been classified as a Variant of Uncertain Significance.